The following is an entry in ClinVar:

ClinVar aggregate classification (germline): Likely pathogenic. Review status: criteria provided, multiple submitters, no conflicts (2 of 4 stars). 2 submissions from 2 submitters: Likely pathogenic (2). Last evaluated 2016-08-04.

Conditions:
Hereditary cancer-predisposing syndrome. Also called: Hereditary neoplastic syndrome; Neoplastic Syndromes, Hereditary; Tumor predisposition; Hereditary Cancer Syndrome. Identifiers: Orphanet 140162, MedGen C0027672, MeSH D009386, MONDO:0015356.

Submissions (2):

GeneDx
Classification: Likely pathogenic. Last evaluated: 2016-08-04. Review status: criteria provided, single submitter. Criteria: GeneDx Variant Classification (06012015). Collection method: clinical testing. Allele origin: germline. Affected: yes.
Comment: This variant is denoted BARD1 c.1395+1dupG or IVS5+1dupG and consists of a duplication of one nucleotide at the +1 position in intron 5 of the BARD1 gene. The normal sequence, with the base that is duplicated in braces, is ATTG[g]tagt, where the capital letters are exonic and lowercase are intronic. Multiple in silico models are unable to predict whether this variant impacts splicing. Should normal splicing occur, this duplication would place an additional guanine (G) nucleotide at the end of exon 5, causing a frameshift rather than a disruption of the canonical splice donor site. Such a frameshift would be predicted to cause loss of normal function through either protein truncation or nonsense-mediated mRNA decay; however, in the absence of RNA or functional studies, the actual effect of this variant is unknown. This variant has not, to our knowledge, been published in the literature. Based on the currently available information, we consider BARD1 c.1395+1dupG to be a likely pathogenic variant.

Ambry Genetics
Classification: Likely pathogenic for Hereditary cancer-predisposing syndrome. Last evaluated: 2016-05-19. Review status: criteria provided, single submitter. Criteria: Ambry Variant Classification Scheme 2023. Collection method: clinical testing. Allele origin: germline.
Comment: The c.1395+1dupG intronic variant results from a duplication of a G nucleotide one nucleotide after coding exon 5 of the BARD1 gene. This variant was not reported in population based cohorts in the following databases: Database of Single Nucleotide Polymorphisms (dbSNP), NHLBI Exome Sequencing Project (ESP), and 1000 Genomes Project. In the ESP, this variant was not observed in 6503 samples (13006 alleles) with coverage at this position. To date, this alteration has been detected with an allele frequency of approximately 0.001% (greater than 175000 alleles tested) in our clinical cohort. This nucleotide position is highly conserved in available vertebrate species. This alteration is predicted to disrupt the canonical splice sequence and shift the reading frame downstream by 1 nucleotide resulting in the insertion of a nucleotide at the end of coding exon 5, creating a disruption within the reading frame. Since frameshifts are typically deleterious in nature, this alteration is classified as likely pathogenic (ACMG Recommendations for Standards for Interpretation and Reporting of Sequence Variations. Revision 2007. Genet Med. 2008;10:294).

NM_000465.4(BARD1):c.1395+1dup

Gene: BARD1 (BRCA1 associated RING domain 1; minus strand). Cytogenetic location: 2q35.
Variant type: Duplication.
Coding change: c.1395+1dup on transcript NM_000465.4 (MANE Select); the canonical splice donor site of the intron after coding-DNA position 1395, one base duplicated (G; older notation c.1395+1dupG).
Molecular consequence: splice donor variant. On other transcripts: intron variant (3).
Genome position (GRCh38, 1-based): chr2:214,769,231, C duplicated on the plus strand (G on the coding strand, the reverse complement: BARD1 is on the minus strand); the first of 2 consecutive C bases (chr2:214,769,231-214,769,232); duplicating either gives the same sequence. VCF-style (leftmost placement, unchanged base first): chr2-214769230-A-AC. GRCh37 (hg19) VCF-style: chr2-215633954-A-AC.
Other names: c.159-16676dup (NM_001282548.2); c.1338+1dup (NM_001282543.2); c.216-16676dup (NM_001282545.2); c.364+23066dup (NM_001282549.2).
Identifiers: ClinVar variation 421820 (VCV000421820.5), dbSNP rs1553619688, ClinGen allele CA16617440.